The following is an entry in ClinVar:

ClinVar aggregate classification (germline): Uncertain significance. Review status: criteria provided, multiple submitters, no conflicts (2 of 4 stars). 6 submissions from 6 submitters: Uncertain significance (5). 1 of the submissions does not count toward it. Last evaluated 2025-10-21.

Conditions:
Inborn genetic diseases. Identifiers: MedGen C0950123, MeSH D030342.
Granulomatous disease, chronic, X-linked. Also called: GRANULOMATOUS DISEASE, CHRONIC, X-LINKED, SOMATIC MOSAIC; CYTOCHROME b-NEGATIVE GRANULOMATOUS DISEASE, CHRONIC, X-LINKED. Identifiers: Orphanet 379, MedGen C1844376, MONDO:0010600, OMIM 306400.
X-linked Mendelian susceptibility to mycobacterial diseases due to CYBB deficiency. Also called: IMMUNODEFICIENCY 34; IMMUNODEFICIENCY 34, MYCOBACTERIOSIS, X-LINKED. Identifiers: Orphanet 319605, MedGen C1970859, MONDO:0010389, OMIM 300645.
Chronic granulomatous disease. Identifiers: Orphanet 379, MedGen C0018203, MONDO:0018305.

Allele frequency attached by ClinVar (database versions not stated): ExAC 0.00001; gnomAD 0.00002; gnomAD exomes 0.00002 and 0.00003; TOPMed 0.00003.
gnomAD v4.1: 39 of 1,204,690 alleles (0.0032%); highest among the groups gnomAD compares: Admixed American, 0.0066%; no homozygotes.

Submissions (6):

Ambry Genetics
Classification: Uncertain significance for Inborn genetic diseases. Last evaluated: 2025-10-21. Review status: criteria provided, single submitter. Criteria: Ambry Variant Classification Scheme 2023. Collection method: clinical testing. Allele origin: germline.
Comment: The c.662T>C (p.I221T) alteration is located in exon 6 (coding exon 6) of the CYBB gene. This alteration results from a T to C substitution at nucleotide position 662, causing the isoleucine (I) at amino acid position 221 to be replaced by a threonine (T). Based on data from gnomAD, the C allele has an overall frequency of 0.002% (4/182696) total alleles studied. The highest observed frequency was 0.011% (3/27328) of Latino alleles. Based on insufficient or conflicting evidence, the clinical significance of this alteration remains unclear.

Labcorp Genetics (formerly Invitae), Labcorp
Classification: Uncertain significance for Granulomatous disease, chronic, X-linked. Last evaluated: 2024-11-07. Review status: criteria provided, single submitter. Criteria: Invitae Variant Classification Sherloc (09022015). Collection method: clinical testing. Allele origin: germline.
Comment: This sequence change replaces isoleucine, which is neutral and non-polar, with threonine, which is neutral and polar, at codon 221 of the CYBB protein (p.Ile221Thr). This variant is present in population databases (rs782096963, gnomAD 0.01%), including at least one homozygous and/or hemizygous individual. This variant has not been reported in the literature in individuals affected with CYBB-related conditions. ClinVar contains an entry for this variant (Variation ID: 643505). Invitae Evidence Modeling of protein sequence and biophysical properties (such as structural, functional, and spatial information, amino acid conservation, physicochemical variation, residue mobility, and thermodynamic stability) indicates that this missense variant is not expected to disrupt CYBB protein function with a negative predictive value of 80%. In summary, the available evidence is currently insufficient to determine the role of this variant in disease. Therefore, it has been classified as a Variant of Uncertain Significance.

Mayo Clinic Laboratories, Mayo Clinic
Classification: Uncertain significance. Last evaluated: 2022-10-12. Review status: criteria provided, single submitter. Criteria: ACMG Guidelines, 2015. Collection method: clinical testing. Allele origin: germline. Observed: 1 variant allele.
Comment: PP3

Fulgent Genetics
Classification: Uncertain significance for X-linked Mendelian susceptibility to mycobacterial diseases due to CYBB deficiency; Granulomatous disease, chronic, X-linked. Last evaluated: 2021-08-13. Review status: criteria provided, single submitter. Criteria: ACMG Guidelines, 2015. Collection method: clinical testing. Allele origin: unknown.

CeGaT Center for Human Genetics Tuebingen
Classification: Uncertain significance. Last evaluated: 2019-10-01. Review status: criteria provided, single submitter. Criteria: CeGaT Center For Human Genetics Tuebingen Variant Classification Criteria Version 2. Collection method: clinical testing. Allele origin: germline. Affected: yes. Observed: 1 variant allele.

Natera, Inc.
Classification: Uncertain significance for Chronic granulomatous disease. Last evaluated: 2020-12-24. Review status: no assertion criteria provided. Collection method: clinical testing. Allele origin: germline. Not counted in ClinVar's aggregate classification.

NM_000397.4(CYBB):c.662T>C (p.Ile221Thr)

Gene: CYBB (cytochrome b-245 beta chain; plus strand). Cytogenetic location: Xp21.1.
Variant type: single nucleotide variant.
Coding change: c.662T>C on transcript NM_000397.4 (MANE Select); coding-DNA position 662, T replaced by C.
Protein change: p.Ile221Thr; replaces isoleucine 221 with threonine.
Molecular consequence: missense variant.
Genome position (GRCh38, 1-based): chrX:37,796,129, T>C. VCF-style: chrX-37796129-T-C. GRCh37 (hg19) VCF-style: chrX-37655382-T-C.
Other names: p.Ile221Thr; short protein forms I221T.
Identifiers: ClinVar variation 643505 (VCV000643505.49), dbSNP rs782096963, ClinGen allele CA10383769.